The following is an entry in ClinVar:

ClinVar aggregate classification (germline): Uncertain significance (1 of 4 stars; one submission).

gnomAD v4.1: 1 of 1,614,196 alleles (0.000062%); highest among the groups gnomAD compares: East Asian, 0.0022%; no homozygotes.

Submission:

GeneDx
Classification: Uncertain significance. Last evaluated: 2024-12-14. Review status: criteria provided, single submitter. Criteria: GeneDx Variant Classification Process June 2021. Collection method: clinical testing. Allele origin: germline. Affected: yes.
Comment: Not observed at significant frequency in large population cohorts (gnomAD); In silico analysis indicates that this missense variant does not alter protein structure/function; Has not been previously published as pathogenic or benign to our knowledge

NM_016333.4(SRRM2):c.6530C>T (p.Ala2177Val)

Gene: SRRM2 (serine/arginine repetitive matrix 2; plus strand). Cytogenetic location: 16p13.3.
Variant type: single nucleotide variant.
Coding change: c.6530C>T on transcript NM_016333.4 (MANE Select); coding-DNA position 6530, C replaced by T.
Protein change: p.Ala2177Val; replaces alanine 2177 with valine.
Molecular consequence: missense variant.
Genome position (GRCh38, 1-based): chr16:2,767,058, C>T. VCF-style: chr16-2767058-C-T. GRCh37 (hg19) VCF-style: chr16-2817059-C-T.
Other names: short protein forms A2177V.
Identifiers: ClinVar variation 3907802 (VCV003907802.1).